The following is an entry in ClinVar:

NM_024496.4(IRF2BPL):c.1181A>G (p.Lys394Arg)

Gene: IRF2BPL (interferon regulatory factor 2 binding protein like; minus strand). Cytogenetic location: 14q24.3.
Variant type: single nucleotide variant.
Coding change: c.1181A>G on transcript NM_024496.4 (MANE Select); coding-DNA position 1181, A replaced by G.
Protein change: p.Lys394Arg; replaces lysine 394 with arginine.
Molecular consequence: missense variant.
Genome position (GRCh38, 1-based): chr14:77,026,612, T>C on the plus strand (A>G on the coding strand, the complement: IRF2BPL is on the minus strand). VCF-style: chr14-77026612-T-C. GRCh37 (hg19) VCF-style: chr14-77492955-T-C.
Other names: short protein forms K394R.
Identifiers: ClinVar variation 1311150 (VCV001311150.2), dbSNP rs2140377919, ClinGen allele CA390495417.

ClinVar aggregate classification (germline): Uncertain significance (1 of 4 stars; one submission).

Submission:

GeneDx
Classification: Uncertain significance. Last evaluated: 2019-12-16. Review status: criteria provided, single submitter. Criteria: GeneDx Variant Classification Process June 2021. Collection method: clinical testing. Allele origin: germline. Affected: yes.
Comment: Not observed in large population cohorts (Lek et al., 2016); In silico analysis, which includes protein predictors and evolutionary conservation, supports a deleterious effect; Has not been previously published as pathogenic or benign to our knowledge